The following is an entry in ClinVar:

NM_002230.4(JUP):c.515A>G (p.Lys172Arg)

Gene: JUP (junction plakoglobin; minus strand). Cytogenetic location: 17q21.2.
Variant type: single nucleotide variant.
Coding change: c.515A>G on transcript NM_002230.4 (MANE Select); coding-DNA position 515, A replaced by G.
Protein change: p.Lys172Arg; replaces lysine 172 with arginine.
Molecular consequence: missense variant.
Genome position (GRCh38, 1-based): chr17:41,769,161, T>C on the plus strand (A>G on the coding strand, the complement: JUP is on the minus strand). VCF-style: chr17-41769161-T-C. GRCh37 (hg19) VCF-style: chr17-39925413-T-C.
Other names: c.515A>G, p.Lys172Arg (NM_001352773.2, NM_001352774.2, NM_001352775.2 and 3 more transcripts); short protein forms K172R.
Identifiers: ClinVar variation 1402142 (VCV001402142.8), dbSNP rs2143684482, ClinGen allele CA399503469.

ClinVar aggregate classification (germline): Uncertain significance (1 of 4 stars; one submission).

Conditions:
Naxos disease (NXD). Also called: KERATOSIS PALMOPLANTARIS WITH ARRHYTHMOGENIC CARDIOMYOPATHY; WOOLLY HAIR, PALMOPLANTAR KERATODERMA, AND CARDIAC ABNORMALITIES; CARDIOMYOPATHY, ARRHYTHMOGENIC RIGHT VENTRICULAR, WITH SKIN, HAIR, AND NAIL ABNORMALITIES; MAL DE NAXOS; PALMOPLANTAR KERATODERMA WITH ARRHYTHMOGENIC RIGHT VENTRICULAR CARDIOMYOPATHY AND WOOLLY HAIR. Identifiers: Orphanet 34217, MedGen C1832600, MONDO:0011017, OMIM 601214.
Arrhythmogenic right ventricular dysplasia 12. Also called: ARRHYTHMOGENIC RIGHT VENTRICULAR DYSPLASIA, FAMILIAL, 12. Identifiers: MedGen C1969081, MONDO:0012684, OMIM 611528.

Submission:

Labcorp Genetics (formerly Invitae), Labcorp
Classification: Uncertain significance for Arrhythmogenic right ventricular dysplasia 12; Naxos disease. Last evaluated: 2021-05-20. Review status: criteria provided, single submitter. Criteria: Invitae Variant Classification Sherloc (09022015). Collection method: clinical testing. Allele origin: germline.
Comment: In summary, the available evidence is currently insufficient to determine the role of this variant in disease. Therefore, it has been classified as a Variant of Uncertain Significance. Algorithms developed to predict the effect of missense changes on protein structure and function (SIFT, PolyPhen-2, Align-GVGD) all suggest that this variant is likely to be tolerated, but these predictions have not been confirmed by published functional studies and their clinical significance is uncertain. This variant has not been reported in the literature in individuals with JUP-related conditions. This variant is not present in population databases (ExAC no frequency). This sequence change replaces lysine with arginine at codon 172 of the JUP protein (p.Lys172Arg). The lysine residue is moderately conserved and there is a small physicochemical difference between lysine and arginine.